The following is an entry in ClinVar:

NM_003628.6(PKP4):c.3301C>T (p.Pro1101Ser)

Genes: PKP4 (plakophilin 4; plus strand), PKP4-AS1 (PKP4 antisense RNA 1; minus strand). Cytogenetic location: 2q24.1.
Variant type: single nucleotide variant.
Coding change: c.3301C>T on transcript NM_003628.6 (MANE Select); coding-DNA position 3301, C replaced by T.
Protein change: p.Pro1101Ser; replaces proline 1101 with serine.
Molecular consequence: missense variant.
Genome position (GRCh38, 1-based): chr2:158,678,625, C>T. VCF-style: chr2-158678625-C-T. GRCh37 (hg19) VCF-style: chr2-159535137-C-T.
Other names: c.3172C>T, p.Pro1058Ser (NM_001005476.4, NM_001377225.1); c.3298C>T, p.Pro1100Ser (NM_001304969.3, NM_001377219.1, NM_001377220.1 and 1 more transcripts); c.2272C>T, p.Pro758Ser (NM_001304970.3); c.3301C>T, p.Pro1101Ser (NM_001377218.1); c.3295C>T, p.Pro1099Ser (NM_001377222.1, NM_001377223.1); c.3292C>T, p.Pro1098Ser (NM_001377224.1); c.3169C>T, p.Pro1057Ser (NM_001377226.1); short protein forms P1099S, P1100S, P1098S, P1101S, P1058S, P758S, P1057S.
Identifiers: ClinVar variation 1729987 (VCV001729987.3), dbSNP rs552885835, ClinGen allele CA1921303.
Genomic context (GRCh38, chr2:158,678,625, plus strand): 5'-AAATATTTTCTTACAGGCTCCAGCAAACCTTCACCAATTTACATCAGTTCCTATTCCTCA[C>T]CAGCAAGAGAACAAAATAGACGGCTACAGGTGAATTTGCAATATCATTTTTACAGAAGGC-3'
Protein context (NP_003619.2, residues 1091-1111): SPIYISSYSS[Pro1101Ser]AREQNRRLQH

ClinVar aggregate classification (germline): Uncertain significance (1 of 4 stars; one submission).

Allele frequency attached by ClinVar (database versions not stated): gnomAD exomes 0.00001; ExAC 0.00002; gnomAD 0.00003; 1000 Genomes Project 30x 0.00031; 1000 Genomes Project 0.00040.
gnomAD v4.1: 12 of 1,608,774 alleles (0.00075%); highest among the groups gnomAD compares: East Asian, 0.027%; no homozygotes.

Submission:

Ambry Genetics
Classification: Uncertain significance. Last evaluated: 2024-06-24. Review status: criteria provided, single submitter. Criteria: Ambry Variant Classification Scheme 2023. Collection method: clinical testing. Allele origin: germline.
Comment: The p.P1101S variant (also known as c.3301C>T), located in coding exon 20 of the PKP4 gene, results from a C to T substitution at nucleotide position 3301. The proline at codon 1101 is replaced by serine, an amino acid with similar properties. This amino acid position is conserved. In addition, the in silico prediction for this alteration is inconclusive. Since supporting evidence is limited at this time, the clinical significance of this alteration remains unclear.